The following is an entry in ClinVar:

NM_000135.4(FANCA):c.90C>G (p.Val30=)

Gene: FANCA (FA complementation group A; minus strand). Cytogenetic location: 16q24.3.
Variant type: single nucleotide variant.
Coding change: c.90C>G on transcript NM_000135.4 (MANE Select); coding-DNA position 90, C replaced by G.
Protein change: p.Val30=; no amino-acid change (valine 30 retained).
Molecular consequence: synonymous variant.
Genome position (GRCh38, 1-based): chr16:89,815,976, G>C on the plus strand (C>G on the coding strand, the complement: FANCA is on the minus strand). VCF-style: chr16-89815976-G-C. GRCh37 (hg19) VCF-style: chr16-89882384-G-C.
Other names: c.90C>G, p.Val30= (NM_001018112.3, NM_001286167.3, NM_001351830.2).
Identifiers: ClinVar variation 700006 (VCV000700006.38), dbSNP rs532713581, ClinGen allele CA8253180.

ClinVar aggregate classification (germline): Likely benign. Review status: criteria provided, multiple submitters, no conflicts (2 of 4 stars). 6 submissions from 6 submitters: Likely benign (5). 1 of the submissions does not count toward it. Last evaluated 2026-08-01.

Conditions:
Inborn genetic diseases. Identifiers: MedGen C0950123, MeSH D030342.
Fanconi anemia (FA). Also called: Fanconi's anemia. Identifiers: Orphanet 84, MedGen C0015625, MeSH D005199, MONDO:0019391.

Allele frequency attached by ClinVar (database versions not stated): gnomAD 0.00001 and 0.00002; TOPMed 0.00005; gnomAD exomes 0.00009 and 0.00013; 1000 Genomes Project 30x 0.00016; ExAC 0.00017; 1000 Genomes Project 0.00020.
gnomAD v4.1: 129 of 1,613,236 alleles (0.008%); highest among the groups gnomAD compares: South Asian, 0.038%; 1 homozygote.

Submissions (6):

CeGaT Center for Human Genetics Tuebingen
Classification: Likely benign. Last evaluated: 2026-08-01. Review status: criteria provided, single submitter. Criteria: CeGaT Center For Human Genetics Tuebingen Variant Classification Criteria Version 2. Collection method: clinical testing. Allele origin: germline. Affected: yes. Observed: 5 variant alleles.
Comment: FANCA: BP4, BP7

Labcorp Genetics (formerly Invitae), Labcorp
Classification: Likely benign for Fanconi anemia. Last evaluated: 2026-01-21. Review status: criteria provided, single submitter. Criteria: Invitae Variant Classification Sherloc (09022015). Collection method: clinical testing. Allele origin: germline.

Blueprint Genetics
Classification: Likely benign. Last evaluated: 2024-11-19. Review status: criteria provided, single submitter. Criteria: ACMG Guidelines, 2015. Collection method: clinical testing. Allele origin: germline.

Ambry Genetics
Classification: Likely benign for Inborn genetic diseases. Last evaluated: 2024-10-04. Review status: criteria provided, single submitter. Criteria: Ambry Variant Classification Scheme 2023. Collection method: clinical testing. Allele origin: germline.

Genetic Services Laboratory, University of Chicago
Classification: Likely benign. Last evaluated: 2020-04-14. Review status: criteria provided, single submitter. Criteria: ACMG Guidelines, 2015. Collection method: clinical testing. Allele origin: germline. Affected: no.

Natera, Inc.
Classification: Likely benign for Fanconi anemia. Last evaluated: 2020-01-17. Review status: no assertion criteria provided. Collection method: clinical testing. Allele origin: germline. Not counted in ClinVar's aggregate classification.